The following is an entry in ClinVar:

NM_000038.6(APC):c.6385T>G (p.Ser2129Ala)

Gene: APC (APC regulator of Wnt signaling pathway; plus strand). Cytogenetic location: 5q22.2.
Variant type: single nucleotide variant.
Coding change: c.6385T>G on transcript NM_000038.6 (MANE Select); coding-DNA position 6385, T replaced by G.
Protein change: p.Ser2129Ala; replaces serine 2129 with alanine.
Molecular consequence: missense variant. On other transcripts: non-coding transcript variant (2).
Genome position (GRCh38, 1-based): chr5:112,841,979, T>G. VCF-style: chr5-112841979-T-G. GRCh37 (hg19) VCF-style: chr5-112177676-T-G.
Other names: c.6385T>G, p.Ser2129Ala (NM_001127510.3, NM_001354895.2, NM_001407450.1); c.6331T>G, p.Ser2111Ala (NM_001127511.3); c.6439T>G, p.Ser2147Ala (NM_001354896.2, NM_001407447.1, NM_001407448.1 and 1 more transcripts); c.6415T>G, p.Ser2139Ala (NM_001354897.2); c.6310T>G, p.Ser2104Ala (NM_001354898.2); c.6301T>G, p.Ser2101Ala (NM_001354899.2); c.6262T>G, p.Ser2088Ala (NM_001354900.2); c.6208T>G, p.Ser2070Ala (NM_001354901.2, NM_001407453.1); and 11 more; short protein forms S1745A, S1846A, S1969A, S2000A, S2003A, S2028A, S2038A, S2046A.
Identifiers: ClinVar variation 4860876 (VCV004860876.1).

ClinVar aggregate classification (germline): Uncertain significance (1 of 4 stars; one submission).

Conditions:
Hereditary cancer-predisposing syndrome. Also called: Neoplastic Syndromes, Hereditary; Tumor predisposition; Hereditary Cancer Syndrome; Hereditary neoplastic syndrome. Identifiers: Orphanet 140162, MedGen C0027672, MeSH D009386, MONDO:0015356.

Submission:

Ambry Genetics
Classification: Uncertain significance for Hereditary cancer-predisposing syndrome. Last evaluated: 2026-03-23. Review status: criteria provided, single submitter. Criteria: Ambry Variant Classification Scheme 2023. Collection method: clinical testing. Allele origin: germline.
Comment: The p.S2129A variant (also known as c.6385T>G), located in coding exon 15 of the APC gene, results from a T to G substitution at nucleotide position 6385. The serine at codon 2129 is replaced by alanine, an amino acid with similar properties. This amino acid position is conserved. In addition, in silico predictors for this gene do not accurately predict pathogenicity. Based on the available evidence, the clinical significance of this variant remains unclear.